The following is an entry in ClinVar:

ClinVar aggregate classification (germline): Uncertain significance. Review status: criteria provided, multiple submitters, no conflicts (2 of 4 stars). 2 submissions from 2 submitters: Uncertain significance (2). Last evaluated 2025-10-02.

Conditions:
Cenani-Lenz syndactyly syndrome. Also called: CENANI SYNDACTYLISM; SYNDACTYLY, TYPE VII. Identifiers: Orphanet 3258, MedGen C1859309, MONDO:0008931, OMIM 212780.
Congenital myasthenic syndrome 17. Identifiers: Orphanet 590, MedGen C4225377, MONDO:0014578, OMIM 616304.
Sclerosteosis 2 (SOST2). Identifiers: Orphanet 3152, MedGen C3280402, MONDO:0013679, OMIM 614305.

Allele frequency attached by ClinVar (database versions not stated): gnomAD 0.00003 and 0.00004; gnomAD exomes 0.00006 and 0.00005; ExAC 0.00007; TOPMed 0.00003.
gnomAD v4.1: 72 of 1,612,650 alleles (0.0045%); highest among the groups gnomAD compares: South Asian, 0.035%; no homozygotes.

Submissions (2):

Labcorp Genetics (formerly Invitae), Labcorp
Classification: Uncertain significance for Cenani-Lenz syndactyly syndrome; Sclerosteosis 2; Congenital myasthenic syndrome 17. Last evaluated: 2025-10-02. Review status: criteria provided, single submitter. Criteria: Invitae Variant Classification Sherloc (09022015). Collection method: clinical testing. Allele origin: germline.
Comment: This sequence change replaces arginine, which is basic and polar, with glutamine, which is neutral and polar, at codon 108 of the LRP4 protein (p.Arg108Gln). This variant is present in population databases (rs772332690, gnomAD 0.05%). This variant has not been reported in the literature in individuals affected with LRP4-related conditions. ClinVar contains an entry for this variant (Variation ID: 1058840). An algorithm developed to predict the effect of missense changes on protein structure and function (PolyPhen-2) suggests that this variant is likely to be disruptive. In summary, the available evidence is currently insufficient to determine the role of this variant in disease. Therefore, it has been classified as a Variant of Uncertain Significance.

Fulgent Genetics
Classification: Uncertain significance for Cenani-Lenz syndactyly syndrome; Sclerosteosis 2; Congenital myasthenic syndrome 17. Last evaluated: 2023-12-26. Review status: criteria provided, single submitter. Criteria: ACMG Guidelines, 2015. Collection method: clinical testing. Allele origin: germline.

NM_002334.4(LRP4):c.323G>A (p.Arg108Gln)

Gene: LRP4 (LDL receptor related protein 4; minus strand). Cytogenetic location: 11p11.2.
Variant type: single nucleotide variant.
Coding change: c.323G>A on transcript NM_002334.4 (MANE Select); coding-DNA position 323, G replaced by A.
Protein change: p.Arg108Gln; replaces arginine 108 with glutamine.
Molecular consequence: missense variant.
Genome position (GRCh38, 1-based): chr11:46,899,970, C>T on the plus strand (G>A on the coding strand, the complement: LRP4 is on the minus strand). VCF-style: chr11-46899970-C-T. GRCh37 (hg19) VCF-style: chr11-46921521-C-T.
Other names: short protein forms R108Q.
Identifiers: ClinVar variation 1058840 (VCV001058840.9), dbSNP rs772332690, ClinGen allele CA5970531.